The following is an entry in ClinVar:

ClinVar aggregate classification (germline): Benign/Likely benign. Review status: criteria provided, multiple submitters, no conflicts (2 of 4 stars). 4 submissions from 4 submitters: Benign (1); Likely benign (3). Last evaluated 2025-11-22.

Conditions:
Hereditary cancer-predisposing syndrome. Also called: Neoplastic Syndromes, Hereditary; Tumor predisposition; Hereditary Cancer Syndrome; Hereditary neoplastic syndrome. Identifiers: Orphanet 140162, MedGen C0027672, MeSH D009386, MONDO:0015356.
BAP1-related tumor predisposition syndrome (TPDS1). Also called: Tumor susceptibility linked to germline BAP1 mutations; BAP1 tumor predisposition syndrome; COMMON Syndrome; TUMOR PREDISPOSITION SYNDROME 1. Identifiers: Orphanet 289539, MedGen C3280492, MONDO:0013692, OMIM 614327.

Allele frequency attached by ClinVar (database versions not stated): gnomAD exomes below 0.00001 and 0.00001; ExAC 0.00001; gnomAD 0.00002; TOPMed 0.00003.
gnomAD v4.1: 19 of 1,613,992 alleles (0.0012%); highest among the groups gnomAD compares: Admixed American, 0.0033%; no homozygotes.

Submissions (4):

Labcorp Genetics (formerly Invitae), Labcorp
Classification: Likely benign for BAP1-related tumor predisposition syndrome. Last evaluated: 2025-11-22. Review status: criteria provided, single submitter. Criteria: Invitae Variant Classification Sherloc (09022015). Collection method: clinical testing. Allele origin: germline.

Myriad Genetics, Inc.
Classification: Benign for BAP1-related tumor predisposition syndrome. Last evaluated: 2024-07-15. Review status: criteria provided, single submitter. Criteria: Myriad Autosomal Dominant, Autosomal Recessive and X-Linked Classification Criteria (2023). Collection method: clinical testing. Allele origin: unknown.
Comment: This variant is considered benign. This variant is a silent/synonymous amino acid change and it is not expected to impact splicing.

Color Diagnostics, LLC DBA Color Health
Classification: Likely benign for Hereditary cancer-predisposing syndrome. Last evaluated: 2017-10-23. Review status: criteria provided, single submitter. Criteria: ACMG Guidelines, 2015. Collection method: clinical testing. Allele origin: germline.

Ambry Genetics
Classification: Likely benign for Hereditary cancer-predisposing syndrome. Last evaluated: 2017-06-16. Review status: criteria provided, single submitter. Criteria: Ambry Variant Classification Scheme 2023. Collection method: clinical testing. Allele origin: germline.

NM_004656.4(BAP1):c.1074G>A (p.Pro358=)

Gene: BAP1 (BRCA1 associated deubiquitinase 1; minus strand). Cytogenetic location: 3p21.1.
Variant type: single nucleotide variant.
Coding change: c.1074G>A on transcript NM_004656.4 (MANE Select); coding-DNA position 1074, G replaced by A.
Protein change: p.Pro358=; no amino-acid change (proline 358 retained).
Molecular consequence: synonymous variant.
Genome position (GRCh38, 1-based): chr3:52,405,152, C>T on the plus strand (G>A on the coding strand, the complement: BAP1 is on the minus strand). VCF-style: chr3-52405152-C-T. GRCh37 (hg19) VCF-style: chr3-52439168-C-T.
Other names: c.1074G>A (LRG_529t1).
Identifiers: ClinVar variation 485281 (VCV000485281.18), dbSNP rs767746031, ClinGen allele CA2436928.
Genomic context (GRCh38, chr3:52,405,152, plus strand): 5'-AGGGTGCTCCCAGCTTACCTGCATGGGGGACTTGGCATAATTGTGATTGTCTAGAAAGGC[C>T]GGCAGCCGCTGGACAATGGGAGTGGGGTTGGGGTGAACCCCATTGAGGCTGCTGCCTGGA-3'
Protein context (NP_004647.1, residues 348-368): PNPTPIVQRL[Pro358=]AFLDNHNYAK